The following is an entry in ClinVar:

NM_001201550.3(CFHR4):c.1137T>C (p.Ile379=)

Gene: CFHR4 (complement factor H related 4; plus strand). Cytogenetic location: 1q31.3.
Variant type: single nucleotide variant.
Coding change: c.1137T>C on transcript NM_001201550.3 (MANE Select); coding-DNA position 1137, T replaced by C.
Protein change: p.Ile379=; no amino-acid change (isoleucine 379 retained).
Molecular consequence: synonymous variant.
Genome position (GRCh38, 1-based): chr1:196,912,879, T>C. VCF-style: chr1-196912879-T-C. GRCh37 (hg19) VCF-style: chr1-196882009-T-C.
Other names: p.Ile378=; c.1134T>C, p.Ile378= (NM_001201551.2); c.396T>C, p.Ile132= (NM_006684.5).
Identifiers: ClinVar variation 4683996 (VCV004683996.1).

ClinVar aggregate classification (germline): Likely benign (1 of 4 stars; one submission).

gnomAD v4.1: 228 of 1,611,652 alleles (0.014%); highest among the groups gnomAD compares: Non-Finnish European, 0.017%; 5 homozygotes.

Submission:

Mayo Clinic Laboratories, Mayo Clinic
Classification: Likely benign. Last evaluated: 2025-06-08. Review status: criteria provided, single submitter. Criteria: ACMG Guidelines, 2015. Collection method: clinical testing. Allele origin: germline. Observed: 1 variant allele.
Comment: BP4, BP7